The following is an entry in ClinVar:

NM_020975.6(RET):c.1083C>A (p.Asn361Lys)

Gene: RET (ret proto-oncogene; plus strand). Cytogenetic location: 10q11.21.
Variant type: single nucleotide variant.
Coding change: c.1083C>A on transcript NM_020975.6 (MANE Select); coding-DNA position 1083, C replaced by A.
Protein change: p.Asn361Lys; replaces asparagine 361 with lysine.
Molecular consequence: missense variant.
Genome position (GRCh38, 1-based): chr10:43,109,050, C>A. VCF-style: chr10-43109050-C-A. GRCh37 (hg19) VCF-style: chr10-43604498-C-A.
Other names: c.1083C>A, p.Asn361Lys (NM_000323.2, NM_001406743.1, NM_001406744.1 and 6 more transcripts); c.321C>A, p.Asn107Lys (NM_001355216.2); c.954C>A, p.Asn318Lys (NM_001406761.1, NM_001406762.1, NM_001406764.1 and 1 more transcripts); c.795C>A, p.Asn265Lys (NM_001406766.1, NM_001406767.1, NM_001406770.1); c.645C>A, p.Asn215Lys (NM_001406771.1, NM_001406773.1); c.357C>A, p.Asn119Lys (NM_001406775.1, NM_001406776.1, NM_001406777.1 and 1 more transcripts); c.93C>A, p.Asn31Lys (NM_001406784.1); short protein forms N361K, N107K, N215K, N265K, N31K, N119K, N318K.
Identifiers: ClinVar variation 548864 (VCV000548864.28), dbSNP rs770587835, ClinGen allele CA031414.

ClinVar aggregate classification (germline): Conflicting classifications of pathogenicity. Review status: criteria provided, conflicting classifications (1 of 4 stars). 11 submissions from 11 submitters: Uncertain significance (9); Likely benign (1). 1 of the submissions does not count toward it. Last evaluated 2026-08-24.

Conditions:
Hirschsprung disease, susceptibility to, 1 (HSCR1). Also called: RET-Related Hirschsprung Disease. Identifiers: Orphanet 388, MedGen C3888239, MONDO:0007723, OMIM 142623.
Multiple endocrine neoplasia type 2A. Also called: MULTIPLE ENDOCRINE NEOPLASIA, TYPE IIA; PTC SYNDROME; SIPPLE SYNDROME; MEN 2A; MEN-2A syndrome; Pheochromocytoma and amyloid producing medullary thyroid carcinoma. Identifiers: Orphanet 247698, Orphanet 653, MedGen C0025268, MeSH D018813, MONDO:0008234, OMIM 171400.
RET-related disorder. Also called: RET-related condition; RET-related disease; RET-related disorders.
Multiple endocrine neoplasia, type 2 (MEN2). Identifiers: Orphanet 653, MedGen C4048306, MONDO:0019003. Disease mechanism: gain of function.
Hereditary cancer-predisposing syndrome. Also called: Tumor predisposition; Hereditary neoplastic syndrome; Neoplastic Syndromes, Hereditary; Hereditary Cancer Syndrome. Identifiers: Orphanet 140162, MedGen C0027672, MeSH D009386, MONDO:0015356.

Allele frequency attached by ClinVar (database versions not stated): ExAC 0.00002; gnomAD exomes 0.00002 and 0.00003; TOPMed 0.00002; gnomAD 0.00003.
gnomAD v4.1: 44 of 1,613,322 alleles (0.0027%); highest among the groups gnomAD compares: Non-Finnish European, 0.0036%; no homozygotes.

Submissions (11):

PreventionGenetics, part of Exact Sciences
Classification: Uncertain significance for RET-related condition. Last evaluated: 2026-08-24. Review status: criteria provided, single submitter. Criteria: ACMG Guidelines, 2015. Collection method: clinical testing. Allele origin: germline.
Comment: The RET c.1083C>A variant is predicted to result in the amino acid substitution p.Asn361Lys. This variant has previously been reported in individuals with Hirschsprung disease, osteosarcoma, or endometrial cancer, and some functional studies support its pathogenicity (Hofstra et al. 2000. PubMed ID: 10790203; Kjaer et al. 2003. PubMed ID: 12915470; Kovac et al. 2020. PubMed ID: 32179705; Jóri et al. 2015. PubMed ID: 26517685). This variant is reported in 0.0047% of alleles in individuals of European (Non-Finnish) descent in gnomAD and is interpreted as uncertain in ClinVar (Variation ID: 548864). At this time, the clinical significance of this variant is uncertain due to the absence of conclusive functional and genetic evidence.

Women's Health and Genetics/Laboratory Corporation of America, LabCorp
Classification: Uncertain significance. Last evaluated: 2026-03-27. Review status: criteria provided, single submitter. Criteria: LabCorp Variant Classification Summary - May 2015. Collection method: clinical testing. Allele origin: germline.
Comment: Variant summary: RET c.1083C>A (p.Asn361Lys) results in a non-conservative amino acid change in the encoded protein sequence. Algorithms developed to predict the effect of missense changes on protein structure and function are either unavailable or do not agree on the potential impact of this missense change. The variant allele was found at a frequency of 2e-05 in 250302 control chromosomes (gnomAD). The available data on variant occurrences in the general population are insufficient to allow any conclusion about variant significance. c.1083C>A has been observed in at least one individual affected with Hirschsprung Disease (Hofstra_2000). These data do not allow any conclusion about variant significance. At least one publication reports experimental evidence evaluating an impact on protein function, however, does not allow convincing conclusions about the variant effect. The following publications have been ascertained in the context of this evaluation (PMID: 10790203, 26517685, 12915470). ClinVar contains an entry for this variant (Variation ID: 548864). Based on the evidence outlined above, the variant was classified as uncertain significance.

Labcorp Genetics (formerly Invitae), Labcorp
Classification: Uncertain significance for Multiple endocrine neoplasia, type 2. Last evaluated: 2025-12-24. Review status: criteria provided, single submitter. Criteria: Invitae Variant Classification Sherloc (09022015). Collection method: clinical testing. Allele origin: germline.
Comment: This sequence change replaces asparagine, which is neutral and polar, with lysine, which is basic and polar, at codon 361 of the RET protein (p.Asn361Lys). This variant is present in population databases (rs770587835, gnomAD 0.004%). This missense change has been observed in individual(s) with Hirschsprung disease and/or osteosarcoma (PMID: 10790203, 32179705). ClinVar contains an entry for this variant (Variation ID: 548864). An algorithm developed to predict the effect of missense changes on protein structure and function (PolyPhen-2) suggests that this variant is likely to be tolerated. Experimental studies have shown that this missense change affects RET function (PMID: 12915470, 26517685). In summary, the available evidence is currently insufficient to determine the role of this variant in disease. Therefore, it has been classified as a Variant of Uncertain Significance.

Ambry Genetics
Classification: Likely benign for Hereditary cancer-predisposing syndrome. Last evaluated: 2024-10-28. Review status: criteria provided, single submitter. Criteria: Ambry Variant Classification Scheme 2023. Collection method: clinical testing. Allele origin: germline.

Quest Diagnostics Nichols Institute San Juan Capistrano
Classification: Uncertain significance. Last evaluated: 2024-07-24. Review status: criteria provided, single submitter. Criteria: Quest Diagnostics criteria. Collection method: clinical testing. Allele origin: unknown.

GeneDx
Classification: Uncertain significance. Last evaluated: 2024-06-21. Review status: criteria provided, single submitter. Criteria: GeneDx Variant Classification Process June 2021. Collection method: clinical testing. Allele origin: germline.
Comment: In silico analysis indicates that this missense variant does not alter protein structure/function; Published functional studies are inconclusive: abnormal protein folding and RET protein localization, but ubiquitination levels close to wildtype (PMID: 12915470, 26517685); This variant is associated with the following publications: (PMID: 14633923, 10790203, 26517685, 32179705, 12915470)

Color Diagnostics, LLC DBA Color Health
Classification: Uncertain significance for Multiple endocrine neoplasia, type 2. Last evaluated: 2024-04-17. Review status: criteria provided, single submitter. Criteria: ACMG Guidelines, 2015. Collection method: clinical testing. Allele origin: germline.
Comment: This missense variant replaces asparagine with lysine at codon 361 of the RET protein. Computational prediction suggests that this variant may not impact protein structure and function. Functional studies have shown this variant causes abnormal protein folding and localization (PMID: 12915470, 26517685). This variant has not been reported in individuals affected with RET-related cancer, although it has been reported in individuals affected with Hirschsprung disease and endometrial cancer (PMID: 10790203, 26517685). This variant has been identified in 6/281684 chromosomes in the general population by the Genome Aggregation Database (gnomAD). The available evidence is insufficient to determine the role of this variant in disease conclusively. Therefore, this variant is classified as a Variant of Uncertain Significance.

Baylor Genetics
Classification: Uncertain significance for Hirschsprung disease, susceptibility to, 1. Last evaluated: 2024-01-09. Review status: criteria provided, single submitter. Criteria: ACMG Guidelines, 2015. Collection method: clinical testing. Allele origin: unknown.

Sema4
Classification: Uncertain significance for Hereditary cancer-predisposing syndrome. Last evaluated: 2021-07-26. Review status: criteria provided, single submitter. Criteria: Sema4 Curation Guidelines. Collection method: curation. Allele origin: germline.
Comment: The RET c.1083C>A (p.N361K) variant has been reported in heterozygosity in at least one individual with Hirschsprung disease (PMID: 10790203). Functional studies have shown that this variant alters the folding and localization of the RET protein (PMID: 12915470). It was observed in 6/128620 chromosomes of the Non-Finnish European subpopulation in the large and broad cohorts of the Genome Aggregation Database (PMID: 32461654). The variant has been reported in ClinVar (Variation ID 548864). In silico tools are inconclusive regarding the variant's impact on protein function. The evidence is insufficient to meet ACMG/AMP criteria for classifying the variant as benign or pathogenic. Thus, the clinical significance of this variant is currently uncertain.

Genetic Services Laboratory, University of Chicago
Classification: Uncertain significance. Last evaluated: 2021-01-15. Review status: criteria provided, single submitter. Criteria: ACMG Guidelines, 2015. Collection method: clinical testing. Allele origin: germline. Affected: no.
Comment: DNA sequence analysis of the RET gene demonstrated a sequence change, c.1083C>A, in exon 6 that results in an amino acid change, p.Asn361Lys. This sequence change has been described in the gnomAD database with a frequency of 0.005% in the European sub-population (dbSNP rs770587835). The p.Asn361Lys change has been reported in an individual with Hirschsprung disease (PMID: 10790203). Functional studies have demonstrated that RET protein folding and cellular localization is impacted in the presence of this sequence change (PMID: 12915470, 26517685). The p.Asn361Lys change affects a poorly conserved amino acid residue located in a domain of the RET protein that is known to be functional. The p.Asn361Lys substitution appears to be benign using several in-silico pathogenicity prediction tools (SIFT, PolyPhen2, Align GVGD, REVEL). Due to these contrasting evidences, the clinical significance of the p.Asn361Lys change remains unknown at this time.

Counsyl
Classification: Uncertain significance for Multiple endocrine neoplasia type 2A. Last evaluated: 2018-02-21. Review status: no assertion criteria provided. Collection method: clinical testing. Allele origin: unknown. Not counted in ClinVar's aggregate classification.

Literature cited by the submitters: PubMed 10790203 (cited by 7 submitters); PubMed 26517685 (cited by 6 submitters); PubMed 12915470 (cited by 7 submitters); PubMed 32179705 (cited by Labcorp Genetics (formerly Invitae), Labcorp and Quest Diagnostics Nichols Institute San Juan Capistrano).